The following is an entry in ClinVar:

ClinVar aggregate classification (germline): Likely benign (1 of 4 stars; one submission).

Allele frequency attached by ClinVar (database versions not stated): gnomAD exomes 0.00001; ExAC 0.00002; TOPMed 0.00002; gnomAD 0.00003; ESP Exome Variant Server 0.00008.
gnomAD v4.1: 12 of 1,614,028 alleles (0.00074%); highest among the groups gnomAD compares: African/African-American, 0.0027%; no homozygotes.

Submission:

CeGaT Center for Human Genetics Tuebingen
Classification: Likely benign. Last evaluated: 2023-03-01. Review status: criteria provided, single submitter. Criteria: CeGaT Center For Human Genetics Tuebingen Variant Classification Criteria Version 2. Collection method: clinical testing. Allele origin: germline. Affected: yes. Observed: 1 variant allele.
Comment: BPTF: BP4, BP7

NM_182641.4(BPTF):c.7840C>T (p.Leu2614=)

Gene: BPTF (bromodomain PHD finger transcription factor; plus strand). Cytogenetic location: 17q24.2.
Variant type: single nucleotide variant.
Coding change: c.7840C>T on transcript NM_182641.4 (MANE Select); coding-DNA position 7840, C replaced by T.
Protein change: p.Leu2614=; no amino-acid change (leucine 2614 retained).
Molecular consequence: synonymous variant.
Genome position (GRCh38, 1-based): chr17:67,948,220, C>T. VCF-style: chr17-67948220-C-T. GRCh37 (hg19) VCF-style: chr17-65944336-C-T.
Other names: c.7789C>T, p.Leu2597= (NM_004459.7).
Identifiers: ClinVar variation 2648147 (VCV002648147.24), dbSNP rs369428261, ClinGen allele CA8726434.